The following is an entry in ClinVar:

ClinVar aggregate classification (germline): Benign (0 of 4 stars; one submission).

Conditions:
ATE1-related disorder. Also called: ATE1-related condition.

Allele frequency attached by ClinVar (database versions not stated): gnomAD exomes 0.13992; ExAC 0.19865; ESP Exome Variant Server 0.22997; gnomAD 0.23475; TOPMed 0.25052; 1000 Genomes Project 0.26058; 1000 Genomes Project 30x 0.26686.
gnomAD v4.1: 239,019 of 1,597,688 alleles (15%); highest among the groups gnomAD compares: African/African-American, 45%; 24,133 homozygotes.

Submission:

PreventionGenetics, part of Exact Sciences
Classification: Benign for ATE1-related condition. Last evaluated: 2019-10-28. Review status: no assertion criteria provided. Collection method: clinical testing. Allele origin: germline.
Comment: This variant is classified as benign based on ACMG/AMP sequence variant interpretation guidelines (Richards et al. 2015 PMID: 25741868, with internal and published modifications).

NM_001001976.3(ATE1):c.*8A>G

Gene: ATE1 (arginyltransferase 1; minus strand). Cytogenetic location: 10q26.13.
Variant type: single nucleotide variant.
Coding change: c.*8A>G on transcript NM_001001976.3 (MANE Select); 8 bases downstream of the stop codon, A replaced by G.
Molecular consequence: 3 prime UTR variant. On other transcripts: non-coding transcript variant (1).
Genome position (GRCh38, 1-based): chr10:121,743,672, T>C on the plus strand (A>G on the coding strand, the complement: ATE1 is on the minus strand). VCF-style: chr10-121743672-T-C. GRCh37 (hg19) VCF-style: chr10-123503187-T-C.
Other names: c.*8A>G (NM_001288734.2, NM_001288735.2, NM_001288736.2 and 1 more transcripts).
Identifiers: ClinVar variation 3059476 (VCV003059476.2), dbSNP rs10886973, ClinGen allele CA5721301.